The following is an entry in ClinVar:

ClinVar aggregate classification (germline): Uncertain significance. Review status: criteria provided, multiple submitters, no conflicts (2 of 4 stars). 3 submissions from 3 submitters: Uncertain significance (3). Last evaluated 2023-12-20.

Conditions:
Inborn genetic diseases. Identifiers: MedGen C0950123, MeSH D030342.

Allele frequency attached by ClinVar (database versions not stated): TOPMed below 0.00001; ExAC 0.00001; gnomAD 0.00001; gnomAD exomes 0.00001.
gnomAD v4.1: 12 of 1,613,786 alleles (0.00074%); highest among the groups gnomAD compares: East Asian, 0.0067%; no homozygotes.

Submissions (3):

Ambry Genetics
Classification: Uncertain significance for Inborn genetic diseases. Last evaluated: 2023-12-20. Review status: criteria provided, single submitter. Criteria: Ambry Variant Classification Scheme 2023. Collection method: clinical testing. Allele origin: germline.

Labcorp Genetics (formerly Invitae), Labcorp
Classification: Uncertain significance. Last evaluated: 2021-10-10. Review status: criteria provided, single submitter. Criteria: Invitae Variant Classification Sherloc (09022015). Collection method: clinical testing. Allele origin: germline.
Comment: This sequence change replaces isoleucine with valine at codon 351 of the ADGRV1 protein (p.Ile351Val). The isoleucine residue is highly conserved and there is a small physicochemical difference between isoleucine and valine. This variant is present in population databases (rs754152833, ExAC 0.006%). This variant has not been reported in the literature in individuals affected with ADGRV1-related conditions. ClinVar contains an entry for this variant (Variation ID: 430494). Algorithms developed to predict the effect of missense changes on protein structure and function are either unavailable or do not agree on the potential impact of this missense change (SIFT: "Deleterious"; PolyPhen-2: "Benign"; Align-GVGD: "Class C0"). In summary, the available evidence is currently insufficient to determine the role of this variant in disease. Therefore, it has been classified as a Variant of Uncertain Significance.

GeneDx
Classification: Uncertain significance. Last evaluated: 2017-05-30. Review status: criteria provided, single submitter. Criteria: GeneDx Variant Classification (06012015). Collection method: clinical testing. Allele origin: germline. Affected: yes.
Comment: The I351V variant in the ADGRV1 gene has not been reported previously as a pathogenic variant, nor as a benign variant, to our knowledge. This variant is not observed at a significant frequency in large population cohorts (Lek et al., 2016; 1000 Genomes Consortium et al., 2015; Exome Variant Server). The I351V variant is a conservative amino acid substitution, which is not likely to impact secondary protein structure as these residues share similar properties, and it occurs at a position that is not conserved across species. However, in silico analysis is inconsistent in its predictions as to whether or not the variant is damaging to the protein structure/function. Therefore, we interpret I351V as a variant of uncertain significance.

NM_032119.4(ADGRV1):c.1051A>G (p.Ile351Val)

Gene: ADGRV1 (adhesion G protein-coupled receptor V1; plus strand). Cytogenetic location: 5q14.3.
Variant type: single nucleotide variant.
Coding change: c.1051A>G on transcript NM_032119.4 (MANE Select); coding-DNA position 1051, A replaced by G.
Protein change: p.Ile351Val; replaces isoleucine 351 with valine.
Molecular consequence: missense variant. On other transcripts: non-coding transcript variant (1).
Genome position (GRCh38, 1-based): chr5:90,627,589, A>G. VCF-style: chr5-90627589-A-G. GRCh37 (hg19) VCF-style: chr5-89923406-A-G.
Other names: short protein forms I351V.
Identifiers: ClinVar variation 430494 (VCV000430494.5), dbSNP rs754152833, ClinGen allele CA3338601.